The following is an entry in ClinVar:

ClinVar aggregate classification (germline): Uncertain significance (1 of 4 stars; one submission).

Conditions:
Lowe syndrome (OCRL). Also called: LOWE OCULOCEREBRORENAL SYNDROME; PHOSPHATIDYLINOSITOL 4,5-BISPHOSPHATE 5-PHOSPHATASE DEFICIENCY; Oculocerebrorenal Syndrome. Identifiers: Orphanet 534, MedGen C0028860, MONDO:0010645, OMIM 309000.

Allele frequency attached by ClinVar (database versions not stated): gnomAD exomes below 0.00001.
gnomAD v4.1: 1 of 1,190,218 alleles (0.000084%); highest among the groups gnomAD compares: Admixed American, 0.0022%; no homozygotes.

Submission:

Labcorp Genetics (formerly Invitae), Labcorp
Classification: Uncertain significance for Lowe syndrome. Last evaluated: 2023-08-18. Review status: criteria provided, single submitter. Criteria: Invitae Variant Classification Sherloc (09022015). Collection method: clinical testing. Allele origin: germline.
Comment: This sequence change falls in intron 22 of the OCRL gene. It does not directly change the encoded amino acid sequence of the OCRL protein. This variant is present in population databases (no rsID available, gnomAD 0.004%). This variant has not been reported in the literature in individuals affected with OCRL-related conditions. Algorithms developed to predict the effect of sequence changes on RNA splicing suggest that this variant may create or strengthen a splice site. In summary, the available evidence is currently insufficient to determine the role of this variant in disease. Therefore, it has been classified as a Variant of Uncertain Significance.

NM_000276.4(OCRL):c.2470-4A>G

Gene: OCRL (OCRL inositol polyphosphate-5-phosphatase; plus strand). Cytogenetic location: Xq26.1.
Variant type: single nucleotide variant.
Coding change: c.2470-4A>G on transcript NM_000276.4 (MANE Select); 4 bases into the intron before coding-DNA position 2470, A replaced by G.
Molecular consequence: intron variant.
Genome position (GRCh38, 1-based): chrX:129,589,841, A>G. VCF-style: chrX-129589841-A-G. GRCh37 (hg19) VCF-style: chrX-128723818-A-G.
Other names: c.2473-4A>G (NM_001318784.2); c.2446-4A>G (NM_001587.4).
Identifiers: ClinVar variation 3012734 (VCV003012734.3), dbSNP rs1395953862, ClinGen allele CA644577206.